The following is an entry in ClinVar:

ClinVar aggregate classification (germline): Uncertain significance (1 of 4 stars; one submission).

Conditions:
Aicardi-Goutieres syndrome 4. Identifiers: Orphanet 51, MedGen C1835912, MONDO:0012472, OMIM 610333.

Submission:

Labcorp Genetics (formerly Invitae), Labcorp
Classification: Uncertain significance for Aicardi Goutieres syndrome 4. Last evaluated: 2019-09-01. Review status: criteria provided, single submitter. Criteria: Invitae Variant Classification Sherloc (09022015). Collection method: clinical testing. Allele origin: germline.
Comment: This sequence change replaces valine with alanine at codon 190 of the RNASEH2A protein (p.Val190Ala). The valine residue is highly conserved and there is a small physicochemical difference between valine and alanine. This variant is not present in population databases (ExAC no frequency). This variant has not been reported in the literature in individuals with RNASEH2A-related conditions. Algorithms developed to predict the effect of missense changes on protein structure and function (SIFT, PolyPhen-2, Align-GVGD) all suggest that this variant is likely to be disruptive, but these predictions have not been confirmed by published functional studies and their clinical significance is uncertain. In summary, the available evidence is currently insufficient to determine the role of this variant in disease. Therefore, it has been classified as a Variant of Uncertain Significance.

NM_006397.3(RNASEH2A):c.569T>C (p.Val190Ala)

Gene: RNASEH2A (ribonuclease H2 subunit A; plus strand). Cytogenetic location: 19p13.13.
Variant type: single nucleotide variant.
Coding change: c.569T>C on transcript NM_006397.3 (MANE Select); coding-DNA position 569, T replaced by C.
Protein change: p.Val190Ala; replaces valine 190 with alanine.
Molecular consequence: missense variant.
Genome position (GRCh38, 1-based): chr19:12,810,336, T>C. VCF-style: chr19-12810336-T-C. GRCh37 (hg19) VCF-style: chr19-12921150-T-C.
Other names: short protein forms V190A.
Identifiers: ClinVar variation 941747 (VCV000941747.1), dbSNP rs1969055468, ClinGen allele CA404267448.